The following is an entry in ClinVar:

NM_001374623.1(PNPLA1):c.158C>A (p.Ser53Ter)

Gene: PNPLA1 (patatin like domain 1, omega-hydroxyceramide transacylase; plus strand). Cytogenetic location: 6p21.31.
Variant type: single nucleotide variant.
Coding change: c.158C>A on transcript NM_001374623.1 (MANE Select); coding-DNA position 158, C replaced by A.
Protein change: p.Ser53Ter; replaces serine 53 with a stop codon.
Molecular consequence: nonsense. On other transcripts: intron variant (2).
Genome position (GRCh38, 1-based): chr6:36,270,617, C>A. VCF-style: chr6-36270617-C-A. GRCh37 (hg19) VCF-style: chr6-36238394-C-A.
Other names: c.158C>A, p.Ser53Ter (NM_001145717.1); c.-80-20703C>A (NM_001145716.2, NM_173676.2); short protein forms S53*.
Identifiers: ClinVar variation 5007048 (VCV005007048.2).
Genomic context (GRCh38, chr6:36,270,617, plus strand): 5'-ACGCCCTGCGGGACCTGGCCCCCCGGATGCTGGAAACAGCCCACCGCTTTGCGGGGACAT[C>A]GGCAGGTGCTGTGATCGCCGCCCTGGCCATCTGCGGGATTGAAATGGGTGAGGCCTGTGT-3'

ClinVar aggregate classification (germline): Likely pathogenic (1 of 4 stars; one submission).

Conditions:
Autosomal recessive congenital ichthyosis 10 (ARCI10). Identifiers: Orphanet 79394, MedGen C3554355, MONDO:0014011, OMIM 615024.

gnomAD v4.1: 1 of 1,551,374 alleles (0.000064%); highest among the groups gnomAD compares: Admixed American, 0.002%; no homozygotes.

Submission:

Juno Genomics, Hangzhou Juno Genomics, Inc
Classification: Likely pathogenic for Autosomal recessive congenital ichthyosis 10. Review status: criteria provided, single submitter. Criteria: ACMG Guidelines, 2015. Collection method: clinical testing. Allele origin: germline.
Comment: Null variant in a gene where loss of function (LOF) is a known mechanism of disease.;Absent from controls (or at extremely low frequency if recessive) in Genome Aggregation Database.